The following is an entry in ClinVar:

ClinVar aggregate classification (germline): Uncertain significance (1 of 4 stars; one submission).

Submission:

Ambry Genetics
Classification: Uncertain significance. Last evaluated: 2024-07-15. Review status: criteria provided, single submitter. Criteria: Ambry Variant Classification Scheme 2023. Collection method: clinical testing. Allele origin: germline.
Comment: The p.Q907H variant (also known as c.2721G>C), located in coding exon 13 of the NPAT gene, results from a G to C substitution at nucleotide position 2721. The glutamine at codon 907 is replaced by histidine, an amino acid with highly similar properties. This amino acid position is conserved. In addition, this alteration is predicted to be tolerated by in silico analysis. Based on the available evidence, the clinical significance of this variant remains unclear.

NM_002519.3(NPAT):c.2721G>C (p.Gln907His)

Gene: NPAT (nuclear protein, coactivator of histone transcription; minus strand). Cytogenetic location: 11q22.3.
Variant type: single nucleotide variant.
Coding change: c.2721G>C on transcript NM_002519.3 (MANE Select); coding-DNA position 2721, G replaced by C.
Protein change: p.Gln907His; replaces glutamine 907 with histidine.
Molecular consequence: missense variant.
Genome position (GRCh38, 1-based): chr11:108,172,263, C>G on the plus strand (G>C on the coding strand, the complement: NPAT is on the minus strand). VCF-style: chr11-108172263-C-G. GRCh37 (hg19) VCF-style: chr11-108042990-C-G.
Other names: c.2721G>C, p.Gln907His (NM_001321307.1); short protein forms Q907H.
Identifiers: ClinVar variation 3407149 (VCV003407149.1).
Genomic context (GRCh38, chr11:108,172,263, plus strand): 5'-TGAAAAGTTTGGTGACACAGCTTGGTTGACAGCAAATACACTGTTTGACCTTGGTGGTGT[C>G]TGTAACTGAGGTGGTAGAGGTTGAGCAGTCATAGGTGCAGAATTTCCAGGCAACACCACT-3'
Protein context (NP_002510.2, residues 897-917): MTAQPLPPQL[Gln907His]TPPRSNSVFA